The following is an entry in ClinVar:

NM_001114753.3(ENG):c.691C>A (p.Pro231Thr)

Gene: ENG (endoglin; minus strand). Cytogenetic location: 9q34.11.
Variant type: single nucleotide variant.
Coding change: c.691C>A on transcript NM_001114753.3 (MANE Select); coding-DNA position 691, C replaced by A.
Protein change: p.Pro231Thr; replaces proline 231 with threonine.
Molecular consequence: missense variant.
Genome position (GRCh38, 1-based): chr9:127,825,356, G>T on the plus strand (C>A on the coding strand, the complement: ENG is on the minus strand). VCF-style: chr9-127825356-G-T. GRCh37 (hg19) VCF-style: chr9-130587635-G-T.
Other names: c.691C>A (NM_001114753.1); c.691C>A, p.Pro231Thr (NM_000118.4, NM_001406715.1); c.145C>A, p.Pro49Thr (NM_001278138.2); short protein forms P231T, P49T.
Identifiers: ClinVar variation 1483569 (VCV001483569.11), dbSNP rs769339049, ClinGen allele CA5253015.

ClinVar aggregate classification (germline): Uncertain significance. Review status: criteria provided, multiple submitters, no conflicts (2 of 4 stars). 2 submissions from 2 submitters: Uncertain significance (2). Last evaluated 2026-05-15.

Conditions:
Hereditary hemorrhagic telangiectasia (HHT). Also called: ORW DISEASE; Osler Weber Rendu syndrome; OSLER-RENDU-WEBER DISEASE; Osler hemorrhagic telangiectasia syndrome. Identifiers: Orphanet 774, MedGen C0039445, MONDO:0019180. Disease mechanism: loss of function.
Cardiovascular phenotype. Identifiers: MedGen CN230736.

Allele frequency attached by ClinVar (database versions not stated): gnomAD 0.00001.

Submissions (2):

Ambry Genetics
Classification: Uncertain significance for Cardiovascular phenotype. Last evaluated: 2026-05-15. Review status: criteria provided, single submitter. Criteria: Ambry Variant Classification Scheme 2023. Collection method: clinical testing. Allele origin: germline.
Comment: The p.P231T variant (also known as c.691C>A), located in coding exon 6 of the ENG gene, results from a C to A substitution at nucleotide position 691. The proline at codon 231 is replaced by threonine, an amino acid with highly similar properties. This amino acid position is conserved. In addition, this alteration is predicted to be tolerated by in silico analysis. Based on the available evidence, the clinical significance of this variant remains unclear.

Labcorp Genetics (formerly Invitae), Labcorp
Classification: Uncertain significance for Hereditary hemorrhagic telangiectasia. Last evaluated: 2025-07-07. Review status: criteria provided, single submitter. Criteria: Invitae Variant Classification Sherloc (09022015). Collection method: clinical testing. Allele origin: germline.
Comment: This sequence change replaces proline, which is neutral and non-polar, with threonine, which is neutral and polar, at codon 231 of the ENG protein (p.Pro231Thr). This variant is present in population databases (rs769339049, gnomAD 0.005%). This variant has not been reported in the literature in individuals affected with ENG-related conditions. ClinVar contains an entry for this variant (Variation ID: 1483569). An algorithm developed to predict the effect of missense changes on protein structure and function (PolyPhen-2) suggests that this variant is likely to be disruptive. In summary, the available evidence is currently insufficient to determine the role of this variant in disease. Therefore, it has been classified as a Variant of Uncertain Significance.